The following is an entry in ClinVar:

NM_001852.4(COL9A2):c.417+3G>A

Gene: COL9A2 (collagen type IX alpha 2 chain; minus strand). Cytogenetic location: 1p34.2.
Variant type: single nucleotide variant.
Coding change: c.417+3G>A on transcript NM_001852.4 (MANE Select); 3 bases into the intron after coding-DNA position 417, G replaced by A.
Molecular consequence: intron variant.
Genome position (GRCh38, 1-based): chr1:40,312,056, C>T on the plus strand (G>A on the coding strand, the complement: COL9A2 is on the minus strand). VCF-style: chr1-40312056-C-T. GRCh37 (hg19) VCF-style: chr1-40777728-C-T.
Identifiers: ClinVar variation 4774767 (VCV004774767.1).

ClinVar aggregate classification (germline): Uncertain significance (1 of 4 stars; one submission).

Submission:

Labcorp Genetics (formerly Invitae), Labcorp
Classification: Uncertain significance. Last evaluated: 2025-04-08. Review status: criteria provided, single submitter. Criteria: Invitae Variant Classification Sherloc (09022015). Collection method: clinical testing. Allele origin: germline.
Comment: This sequence change falls in intron 8 of the COL9A2 gene. It does not directly change the encoded amino acid sequence of the COL9A2 protein. It affects a nucleotide within the consensus splice site. This variant is present in population databases (rs376120533, gnomAD 0.006%). This variant has not been reported in the literature in individuals affected with COL9A2-related conditions. Variants that disrupt the consensus splice site are a relatively common cause of aberrant splicing (PMID: 17576681, 9536098). Algorithms developed to predict the effect of sequence changes on RNA splicing suggest that this variant is not likely to affect RNA splicing. In summary, the available evidence is currently insufficient to determine the role of this variant in disease. Therefore, it has been classified as a Variant of Uncertain Significance.

Literature cited by the submitters: PubMed 17576681; PubMed 9536098.